The following is an entry in ClinVar:

NM_001905.4(CTPS1):c.1459G>C (p.Val487Leu)

Gene: CTPS1 (CTP synthase 1; plus strand). Cytogenetic location: 1p34.2.
Variant type: single nucleotide variant.
Coding change: c.1459G>C on transcript NM_001905.4 (MANE Select); coding-DNA position 1459, G replaced by C.
Protein change: p.Val487Leu; replaces valine 487 with leucine.
Molecular consequence: missense variant. On other transcripts: non-coding transcript variant (1).
Genome position (GRCh38, 1-based): chr1:41,008,803, G>C. VCF-style: chr1-41008803-G-C. GRCh37 (hg19) VCF-style: chr1-41474475-G-C.
Other names: c.991G>C, p.Val331Leu (NM_001301237.2); short protein forms V331L, V487L.
Identifiers: ClinVar variation 1025018 (VCV001025018.8), dbSNP rs1643098135, ClinGen allele CA339906239.

ClinVar aggregate classification (germline): Uncertain significance (1 of 4 stars; one submission).

Conditions:
Combined immunodeficiency due to CTPS1 deficiency. Also called: Immunodeficiency 24; Severe combined immunodeficiency due to CTPS1 deficiency. Identifiers: Orphanet 420573, MedGen C4014617, MONDO:0014391, OMIM 615897.

gnomAD v4.1: 1 of 1,614,186 alleles (0.000062%); highest among the groups gnomAD compares: Non-Finnish European, 0.000085%; no homozygotes.

Submission:

Labcorp Genetics (formerly Invitae), Labcorp
Classification: Uncertain significance for Combined immunodeficiency due to CTPS1 deficiency. Last evaluated: 2020-10-07. Review status: criteria provided, single submitter. Criteria: Invitae Variant Classification Sherloc (09022015). Collection method: clinical testing. Allele origin: germline.
Comment: This variant is not present in population databases (ExAC no frequency). This variant has not been reported in the literature in individuals with CTPS1-related conditions. Algorithms developed to predict the effect of missense changes on protein structure and function (SIFT, PolyPhen-2, Align-GVGD) all suggest that this variant is likely to be tolerated, but these predictions have not been confirmed by published functional studies and their clinical significance is uncertain. In summary, the available evidence is currently insufficient to determine the role of this variant in disease. Therefore, it has been classified as a Variant of Uncertain Significance. This sequence change replaces valine with leucine at codon 487 of the CTPS1 protein (p.Val487Leu). The valine residue is weakly conserved and there is a small physicochemical difference between valine and leucine.